The following is an entry in ClinVar:

NM_031935.3(HMCN1):c.5362C>T (p.Arg1788Cys)

Gene: HMCN1 (hemicentin 1; plus strand). Cytogenetic location: 1q31.1.
Variant type: single nucleotide variant.
Coding change: c.5362C>T on transcript NM_031935.3 (MANE Select); coding-DNA position 5362, C replaced by T.
Protein change: p.Arg1788Cys; replaces arginine 1788 with cysteine.
Molecular consequence: missense variant.
Genome position (GRCh38, 1-based): chr1:186,018,244, C>T. VCF-style: chr1-186018244-C-T. GRCh37 (hg19) VCF-style: chr1-185987376-C-T.
Other names: c.5362C>T (NM_031935.2); short protein forms R1788C.
Identifiers: ClinVar variation 1439009 (VCV001439009.6), dbSNP rs773084610, ClinGen allele CA1292249.

ClinVar aggregate classification (germline): Uncertain significance. Review status: criteria provided, multiple submitters, no conflicts (2 of 4 stars). 2 submissions from 2 submitters: Uncertain significance (2). Last evaluated 2024-07-27.

Allele frequency attached by ClinVar (database versions not stated): ExAC 0.00001; gnomAD 0.00001; gnomAD exomes 0.00001; TOPMed 0.00002.
gnomAD v4.1: 29 of 1,612,554 alleles (0.0018%); highest among the groups gnomAD compares: South Asian, 0.0066%; no homozygotes.

Submissions (2):

Ambry Genetics
Classification: Uncertain significance. Last evaluated: 2024-07-27. Review status: criteria provided, single submitter. Criteria: Ambry Variant Classification Scheme 2023. Collection method: clinical testing. Allele origin: germline.

Labcorp Genetics (formerly Invitae), Labcorp
Classification: Uncertain significance. Last evaluated: 2022-10-13. Review status: criteria provided, single submitter. Criteria: Invitae Variant Classification Sherloc (09022015). Collection method: clinical testing. Allele origin: germline.
Comment: This sequence change replaces arginine, which is basic and polar, with cysteine, which is neutral and slightly polar, at codon 1788 of the HMCN1 protein (p.Arg1788Cys). In summary, the available evidence is currently insufficient to determine the role of this variant in disease. Therefore, it has been classified as a Variant of Uncertain Significance. Algorithms developed to predict the effect of missense changes on protein structure and function are either unavailable or do not agree on the potential impact of this missense change (SIFT: "Deleterious"; PolyPhen-2: "Possibly Damaging"; Align-GVGD: "Class C0"). ClinVar contains an entry for this variant (Variation ID: 1439009). This variant has not been reported in the literature in individuals affected with HMCN1-related conditions. This variant is present in population databases (rs773084610, gnomAD 0.003%).